The following is an entry in ClinVar:

ClinVar aggregate classification (germline): Uncertain significance (1 of 4 stars; one submission).

Conditions:
Familial cancer of breast. Also called: hereditary breast carcinoma; BREAST CANCER, FAMILIAL; Hereditary breast cancer. Identifiers: Orphanet 227535, MedGen C0346153, MONDO:0016419, OMIM 114480. Disease mechanism: loss of function.

Submission:

Labcorp Genetics (formerly Invitae), Labcorp
Classification: Uncertain significance for Familial cancer of breast. Last evaluated: 2023-03-09. Review status: criteria provided, single submitter. Criteria: Invitae Variant Classification Sherloc (09022015). Collection method: clinical testing. Allele origin: germline.
Comment: In summary, the available evidence is currently insufficient to determine the role of this variant in disease. Therefore, it has been classified as a Variant of Uncertain Significance. Advanced modeling of protein sequence and biophysical properties (such as structural, functional, and spatial information, amino acid conservation, physicochemical variation, residue mobility, and thermodynamic stability) performed at Invitae indicates that this missense variant is not expected to disrupt PALB2 protein function. This variant has not been reported in the literature in individuals affected with PALB2-related conditions. This variant is not present in population databases (gnomAD no frequency). This sequence change replaces glutamic acid, which is acidic and polar, with glycine, which is neutral and non-polar, at codon 749 of the PALB2 protein (p.Glu749Gly).

NM_024675.4(PALB2):c.2246A>G (p.Glu749Gly)

Gene: PALB2 (partner and localizer of BRCA2; minus strand). Cytogenetic location: 16p12.2.
Variant type: single nucleotide variant.
Coding change: c.2246A>G on transcript NM_024675.4 (MANE Select); coding-DNA position 2246, A replaced by G.
Protein change: p.Glu749Gly; replaces glutamic acid 749 with glycine.
Molecular consequence: missense variant. On other transcripts: intron variant (1).
Genome position (GRCh38, 1-based): chr16:23,629,908, T>C on the plus strand (A>G on the coding strand, the complement: PALB2 is on the minus strand). VCF-style: chr16-23629908-T-C. GRCh37 (hg19) VCF-style: chr16-23641229-T-C.
Other names: c.2186A>G, p.Glu729Gly (NM_001407296.1); c.2246A>G, p.Glu749Gly (NM_001407297.1, NM_001407298.1, NM_001407299.1 and 3 more transcripts); c.1361A>G, p.Glu454Gly (NM_001407304.1, NM_001407305.1, NM_001407306.1 and 5 more transcripts); c.458A>G, p.Glu153Gly (NM_001407312.1, NM_001407313.1); c.49-633A>G (NM_001407314.1); short protein forms E454G, E153G, E729G, E749G.
Identifiers: ClinVar variation 2844408 (VCV002844408.3), dbSNP rs2142377384, ClinGen allele CA395125483.